The following is an entry in ClinVar:

ClinVar aggregate classification (germline): Uncertain significance (1 of 4 stars; one submission).

Conditions:
Inborn genetic diseases. Identifiers: MedGen C0950123, MeSH D030342.

Submission:

Ambry Genetics
Classification: Uncertain significance for Inborn genetic diseases. Last evaluated: 2026-07-28. Review status: criteria provided, single submitter. Criteria: Ambry Variant Classification Scheme 2023. Collection method: clinical testing. Allele origin: germline.
Comment: The p.Q379R variant (also known as c.1136A>G), located in coding exon 6 of the ERCC6L2 gene, results from an A to G substitution at nucleotide position 1136. The glutamine at codon 379 is replaced by arginine, an amino acid with highly similar properties. This amino acid position is conserved. In addition, the in silico prediction for this alteration is inconclusive. Based on the available evidence, the clinical significance of this variant remains unclear.

NM_020207.7(ERCC6L2):c.1136A>G (p.Gln379Arg)

Gene: ERCC6L2 (ERCC excision repair 6 like 2; plus strand). Cytogenetic location: 9q22.32.
Variant type: single nucleotide variant.
Coding change: c.1136A>G on transcript NM_020207.7 (MANE Select); coding-DNA position 1136, A replaced by G.
Protein change: p.Gln379Arg; replaces glutamine 379 with arginine.
Molecular consequence: missense variant. On other transcripts: non-coding transcript variant (1).
Genome position (GRCh38, 1-based): chr9:95,916,412, A>G. VCF-style: chr9-95916412-A-G. GRCh37 (hg19) VCF-style: chr9-98678694-A-G.
Other names: c.1136A>G, p.Gln379Arg (NM_001010895.4, NM_001375291.1, NM_001375292.1 and 2 more transcripts); short protein forms Q379R.
Identifiers: ClinVar variation 5036086 (VCV005036086.1).